The following is an entry in ClinVar:

ClinVar aggregate classification (germline): Uncertain significance. Review status: criteria provided, multiple submitters, no conflicts (2 of 4 stars). 3 submissions from 3 submitters: Uncertain significance (3). Last evaluated 2024-05-21.

Conditions:
Inborn genetic diseases. Identifiers: MedGen C0950123, MeSH D030342.

Allele frequency attached by ClinVar (database versions not stated): gnomAD exomes below 0.00001; ExAC 0.00001; gnomAD 0.00001; TOPMed 0.00002.
gnomAD v4.1: 6 of 1,614,044 alleles (0.00037%); highest among the groups gnomAD compares: Non-Finnish European, 0.00042%; no homozygotes.

Submissions (3):

Labcorp Genetics (formerly Invitae), Labcorp
Classification: Uncertain significance. Last evaluated: 2024-05-21. Review status: criteria provided, single submitter. Criteria: Invitae Variant Classification Sherloc (09022015). Collection method: clinical testing. Allele origin: germline.
Comment: This sequence change replaces glycine, which is neutral and non-polar, with serine, which is neutral and polar, at codon 735 of the ACO2 protein (p.Gly735Ser). This variant is present in population databases (rs764094341, gnomAD 0.0009%). This variant has not been reported in the literature in individuals affected with ACO2-related conditions. ClinVar contains an entry for this variant (Variation ID: 2189561). Advanced modeling of protein sequence and biophysical properties (such as structural, functional, and spatial information, amino acid conservation, physicochemical variation, residue mobility, and thermodynamic stability) performed at Invitae indicates that this missense variant is not expected to disrupt ACO2 protein function with a negative predictive value of 80%. In summary, the available evidence is currently insufficient to determine the role of this variant in disease. Therefore, it has been classified as a Variant of Uncertain Significance.

GeneDx
Classification: Uncertain significance. Last evaluated: 2024-03-26. Review status: criteria provided, single submitter. Criteria: GeneDx Variant Classification Process June 2021. Collection method: clinical testing. Allele origin: germline. Affected: yes.
Comment: Has not been previously published as pathogenic or benign to our knowledge; Not observed at significant frequency in large population cohorts (gnomAD); In silico analysis supports that this missense variant has a deleterious effect on protein structure/function

Ambry Genetics
Classification: Uncertain significance for Inborn genetic diseases. Last evaluated: 2023-09-21. Review status: criteria provided, single submitter. Criteria: Ambry Variant Classification Scheme 2023. Collection method: clinical testing. Allele origin: germline.

NM_001098.3(ACO2):c.2203G>A (p.Gly735Ser)

Genes: ACO2 (aconitase 2; plus strand), POLR3H (RNA polymerase III subunit H; minus strand). Cytogenetic location: 22q13.2.
Variant type: single nucleotide variant.
Coding change: c.2203G>A on transcript NM_001098.3 (MANE Select); coding-DNA position 2203, G replaced by A.
Protein change: p.Gly735Ser; replaces glycine 735 with serine.
Molecular consequence: missense variant. On other transcripts: 3 prime UTR variant (5).
Genome position (GRCh38, 1-based): chr22:41,528,017, G>A. VCF-style: chr22-41528017-G-A. GRCh37 (hg19) VCF-style: chr22-41924021-G-A.
Other names: c.*1266C>T (NM_001018050.4, NM_001018052.4, NM_001282884.2 and 2 more transcripts); short protein forms G735S.
Identifiers: ClinVar variation 2189561 (VCV002189561.6), dbSNP rs764094341, ClinGen allele CA10257914.